The following is an entry in ClinVar:

ClinVar aggregate classification (germline): Uncertain significance (0 of 4 stars; one submission).

Conditions:
IGF1R-related disorder. Also called: IGF1R-related condition.

gnomAD v4.1: 2 of 1,614,170 alleles (0.00012%); highest among the groups gnomAD compares: Middle Eastern, 0.016%; no homozygotes.

Submission:

PreventionGenetics, part of Exact Sciences
Classification: Uncertain significance for IGF1R-related condition. Last evaluated: 2024-03-07. Review status: no assertion criteria provided. Collection method: clinical testing. Allele origin: germline.
Comment: The IGF1R c.440C>T variant is predicted to result in the amino acid substitution p.Ala147Val. To our knowledge, this variant has not been reported in the literature or in a large population database, indicating this variant is rare. At this time, the clinical significance of this variant is uncertain due to the absence of conclusive functional and genetic evidence.

NM_000875.5(IGF1R):c.440C>T (p.Ala147Val)

Gene: IGF1R (insulin like growth factor 1 receptor; plus strand). Cytogenetic location: 15q26.3.
Variant type: single nucleotide variant.
Coding change: c.440C>T on transcript NM_000875.5 (MANE Select); coding-DNA position 440, C replaced by T.
Protein change: p.Ala147Val; replaces alanine 147 with valine.
Molecular consequence: missense variant.
Genome position (GRCh38, 1-based): chr15:98,707,907, C>T. VCF-style: chr15-98707907-C-T. GRCh37 (hg19) VCF-style: chr15-99251136-C-T.
Other names: c.440C>T, p.Ala147Val (NM_001291858.2); short protein forms A147V.
Identifiers: ClinVar variation 3350238 (VCV003350238.1).